The following is an entry in ClinVar:

NM_001378609.3(OTOGL):c.2877T>C (p.Phe959=)

Gene: OTOGL (otogelin like; plus strand). Cytogenetic location: 12q21.31.
Variant type: single nucleotide variant.
Coding change: c.2877T>C on transcript NM_001378609.3 (MANE Select); coding-DNA position 2877, T replaced by C.
Protein change: p.Phe959=; no amino-acid change (phenylalanine 959 retained).
Molecular consequence: synonymous variant.
Genome position (GRCh38, 1-based): chr12:80,279,115, T>C. VCF-style: chr12-80279115-T-C. GRCh37 (hg19) VCF-style: chr12-80672895-T-C.
Other names: c.2877T>C, p.Phe959= (NM_001368062.3, NM_001378610.3, NM_173591.7).
Identifiers: ClinVar variation 226935 (VCV000226935.8), dbSNP rs369730291, ClinGen allele CA6700920.

ClinVar aggregate classification (germline): Benign/Likely benign. Review status: criteria provided, multiple submitters, no conflicts (2 of 4 stars). 3 submissions from 3 submitters: Benign (2); Likely benign (1). Last evaluated 2025-12-28.

Allele frequency attached by ClinVar (database versions not stated): gnomAD exomes 0.00006 and 0.00031; gnomAD 0.00008 and 0.00011; TOPMed 0.00011; ExAC 0.00036; 1000 Genomes Project 0.00060; 1000 Genomes Project 30x 0.00062.
gnomAD v4.1: 111 of 1,594,962 alleles (0.007%); highest among the groups gnomAD compares: East Asian, 0.17%; no homozygotes.

Submissions (3):

Labcorp Genetics (formerly Invitae), Labcorp
Classification: Benign. Last evaluated: 2025-12-28. Review status: criteria provided, single submitter. Criteria: Invitae Variant Classification Sherloc (09022015). Collection method: clinical testing. Allele origin: germline.

Blueprint Genetics
Classification: Likely benign. Last evaluated: 2024-07-12. Review status: criteria provided, single submitter. Criteria: ACMG Guidelines, 2015. Collection method: clinical testing. Allele origin: germline.

Laboratory for Molecular Medicine, Mass General Brigham Personalized Medicine
Classification: Benign. Last evaluated: 2016-01-12. Review status: criteria provided, single submitter. Criteria: LMM Criteria. Collection method: clinical testing. Allele origin: germline. Observed: 2 variant alleles.
Comment: p.Phe950Phe in exon 25 of OTOGL: This variant is not expected to have clinical significance because it does not alter an amino acid residue and is not located within the splice consensus sequence. It has been identified in 0.4% (35/8320) o f East Asian chromosomes by the Exome Aggregation Consortium (ExAC.; dbSNP rs369730291).